The following is an entry in ClinVar:

ClinVar aggregate classification (germline): Pathogenic (1 of 4 stars; one submission).

Submission:

Labcorp Genetics (formerly Invitae), Labcorp
Classification: Pathogenic. Last evaluated: 2024-05-14. Review status: criteria provided, single submitter. Criteria: Invitae Variant Classification Sherloc (09022015). Collection method: clinical testing. Allele origin: germline.
Comment: This sequence change creates a premature translational stop signal (p.Asn92Ilefs*17) in the PHEX gene. It is expected to result in an absent or disrupted protein product. Loss-of-function variants in PHEX are known to be pathogenic (PMID: 9097956, 9106524, 19219621). Information on the frequency of this variant in the gnomAD database is not available, as this variant may be reported differently in the database. This variant has not been reported in the literature in individuals affected with PHEX-related conditions. For these reasons, this variant has been classified as Pathogenic.

Literature cited by the submitters: PubMed 9097956; PubMed 9106524; PubMed 19219621.

NM_000444.6(PHEX):c.275_280delinsT (p.Asn92fs)

Gene: PHEX (phosphate regulating endopeptidase X-linked; plus strand). Cytogenetic location: Xp22.11.
Variant type: Indel.
Coding change: c.275_280delinsT on transcript NM_000444.6 (MANE Select); coding-DNA positions 275 to 280, ATCCAA replaced by T.
Protein change: p.Asn92fs; shifts the reading frame from asparagine 92.
Molecular consequence: frameshift variant.
Genome position (GRCh38, 1-based): chrX:22,047,137-22,047,142, ATCCAA replaced by T. VCF-style: chrX-22047137-ATCCAA-T. GRCh37 (hg19) VCF-style: chrX-22065255-ATCCAA-T.
Other names: c.275_280delinsT, p.Asn92fs (NM_001282754.2); short protein forms N92fs.
Identifiers: ClinVar variation 968604 (VCV000968604.5), dbSNP rs1927577124, ClinGen allele CA1139667279.